The following is an entry in ClinVar:

ClinVar aggregate classification (germline): Uncertain significance (1 of 4 stars; one submission).

Submission:

GeneDx
Classification: Uncertain significance. Last evaluated: 2024-07-16. Review status: criteria provided, single submitter. Criteria: GeneDx Variant Classification Process June 2021. Collection method: clinical testing. Allele origin: germline. Affected: yes.
Comment: Not observed at significant frequency in large population cohorts (gnomAD); In silico analysis supports that this missense variant has a deleterious effect on protein structure/function; Has not been previously published as pathogenic or benign to our knowledge

NM_001257293.2(HNRNPH1):c.668G>C (p.Gly223Ala)

Genes: HNRNPH1 (heterogeneous nuclear ribonucleoprotein H1; minus strand), LOC128966623 (uncharacterized LOC128966623; plus strand). Cytogenetic location: 5q35.3.
Variant type: single nucleotide variant.
Coding change: c.668G>C on transcript NM_001257293.2 (MANE Select); coding-DNA position 668, G replaced by C.
Protein change: p.Gly223Ala; replaces glycine 223 with alanine.
Molecular consequence: missense variant. On other transcripts: intron variant (3).
Genome position (GRCh38, 1-based): chr5:179,618,192, C>G on the plus strand (G>C on the coding strand, the complement: HNRNPH1 is on the minus strand). VCF-style: chr5-179618192-C-G. GRCh37 (hg19) VCF-style: chr5-179045193-C-G.
Other names: c.668G>C, p.Gly223Ala (NM_001363572.2, NM_001364225.2, NM_001364226.2 and 36 more transcripts); c.512G>C, p.Gly171Ala (NM_001364250.2); c.65G>C, p.Gly22Ala (NM_001364251.2, NM_001364252.2, NM_001364253.2 and 4 more transcripts); c.437G>C, p.Gly146Ala (NM_001395190.1); c.398-281G>C (NM_001395193.1); c.398-132G>C (NM_001395191.1, NM_001395192.1); short protein forms G146A, G171A, G223A, G22A.
Identifiers: ClinVar variation 3573506 (VCV003573506.1).